The following is an entry in ClinVar:

ClinVar aggregate classification (germline): Conflicting classifications of pathogenicity. Review status: criteria provided, conflicting classifications (1 of 4 stars). 3 submissions from 3 submitters: Uncertain significance (2); Likely benign (1). Last evaluated 2024-10-04.

Allele frequency attached by ClinVar (database versions not stated): ExAC 0.00014; gnomAD exomes 0.00015 and 0.00050; TOPMed 0.00020; gnomAD 0.00022 and 0.00024.
gnomAD v4.1: 740 of 1,613,494 alleles (0.046%); highest among the groups gnomAD compares: Non-Finnish European, 0.06%; no homozygotes.

Submissions (6):

Labcorp Genetics (formerly Invitae), Labcorp
Classification: Uncertain significance. Last evaluated: 2024-10-04. Review status: criteria provided, single submitter. Criteria: Invitae Variant Classification Sherloc (09022015). Collection method: clinical testing. Allele origin: germline.
Comment: This sequence change replaces asparagine, which is neutral and polar, with serine, which is neutral and polar, at codon 959 of the CASZ1 protein (p.Asn959Ser). This variant is present in population databases (rs546119580, gnomAD 0.03%), and has an allele count higher than expected for a pathogenic variant. This variant has not been reported in the literature in individuals affected with CASZ1-related conditions. ClinVar contains an entry for this variant (Variation ID: 1469679). An algorithm developed to predict the effect of missense changes on protein structure and function (PolyPhen-2) suggests that this variant is likely to be disruptive. In summary, the available evidence is currently insufficient to determine the role of this variant in disease. Therefore, it has been classified as a Variant of Uncertain Significance.

Blueprint Genetics
Classification: Likely benign. Last evaluated: 2024-02-21. Review status: criteria provided, single submitter. Criteria: ACMG Guidelines, 2015. Collection method: clinical testing. Allele origin: germline.

Ambry Genetics
Classification: Uncertain significance. Last evaluated: 2021-10-06. Review status: criteria provided, single submitter. Criteria: Ambry Variant Classification Scheme 2023. Collection method: clinical testing. Allele origin: germline.

Dr. Peter K. Rogan Lab, Western University
No classification provided (evidence only). Condition: Cervical cancer. Review status: no classification provided. Collection method: in vitro. Allele origin: not applicable. Functional consequence: retained intron. Not counted in ClinVar's aggregate classification.

Dr. Peter K. Rogan Lab, Western University
No classification provided (evidence only). Condition: Lung cancer. Review status: no classification provided. Collection method: in vitro. Allele origin: not applicable. Functional consequence: retained intron. Not counted in ClinVar's aggregate classification.

Dr. Peter K. Rogan Lab, Western University
No classification provided (evidence only). Condition: Familial cancer of breast. Review status: no classification provided. Collection method: in vitro. Allele origin: not applicable. Functional consequence: retained intron. Not counted in ClinVar's aggregate classification.

NM_001079843.3(CASZ1):c.2876A>G (p.Asn959Ser)

Gene: CASZ1 (castor zinc finger 1; minus strand). Cytogenetic location: 1p36.22.
Variant type: single nucleotide variant.
Coding change: c.2876A>G on transcript NM_001079843.3 (MANE Select); coding-DNA position 2876, A replaced by G.
Protein change: p.Asn959Ser; replaces asparagine 959 with serine.
Molecular consequence: missense variant.
Genome position (GRCh38, 1-based): chr1:10,650,696, T>C on the plus strand (A>G on the coding strand, the complement: CASZ1 is on the minus strand). VCF-style: chr1-10650696-T-C. GRCh37 (hg19) VCF-style: chr1-10710753-T-C.
Other names: c.2876A>G (NM_001079843.1); c.2876A>G, p.Asn959Ser (NM_017766.5); short protein forms N959S.
Identifiers: ClinVar variation 1469679 (VCV001469679.11), dbSNP rs546119580, ClinGen allele CA584698.